The following is an entry in ClinVar:

NM_003380.5(VIM):c.1008+1G>A

Gene: VIM (vimentin; plus strand). Cytogenetic location: 10p13.
Variant type: single nucleotide variant.
Coding change: c.1008+1G>A on transcript NM_003380.5 (MANE Select); the canonical splice donor site of the intron after coding-DNA position 1008, G replaced by A.
Molecular consequence: splice donor variant.
Genome position (GRCh38, 1-based): chr10:17,234,819, G>A. VCF-style: chr10-17234819-G-A. GRCh37 (hg19) VCF-style: chr10-17276818-G-A.
Identifiers: ClinVar variation 4279621 (VCV004279621.1).

ClinVar aggregate classification (germline): Uncertain significance (1 of 4 stars; one submission).

Conditions:
Cataract 30 (CTRCT30). Also called: CATARACT 30, PULVERULENT. Identifiers: Orphanet 91492, Orphanet 98984, Orphanet 98992, MedGen C3805411, MONDO:0007286, OMIM 116300.

gnomAD v4.1: 3 of 1,613,950 alleles (0.00019%); highest among the groups gnomAD compares: Admixed American, 0.0017%; no homozygotes.

Submission:

Diagnostics Services (NGS), CSIR - Centre For Cellular And Molecular Biology
Classification: Uncertain significance for Cataract 30. Last evaluated: 2025-08-13. Review status: criteria provided, single submitter. Criteria: ACMG Guidelines, 2015. Collection method: clinical testing. Allele origin: germline. Affected: yes. Observed: 1 variant allele, 1 homozygote.
Comment: The c.1008+1G>A variant is not present in publicly available population databases like 1000 Genomes, EVS, gnomAD and Indian Exome Database. This variant is present in our internal database, at a low frequency. This variant has neither been published in the literature for VIM-related conditions nor reported to clinical databases like Human Genome Mutation Database (HGMD), ClinVar or OMIM in any affected individuals. Algorithms developed to predict the effect of sequence changes on RNA splicing suggest that this variant can disrupt the consensus splice site. In-silico pathogenicity prediction programs like HSF3.1, MutationTaster2021, CADD, Varsome, etc predicted this variant to be likely deleterious, however these predictions were not confirmed by published functional/translational studies.